The following is an entry in ClinVar:

NM_001004356.3(FGFRL1):c.828G>A (p.Pro276=)

Gene: FGFRL1 (fibroblast growth factor receptor like 1; plus strand). Cytogenetic location: 4p16.3.
Variant type: single nucleotide variant.
Coding change: c.828G>A on transcript NM_001004356.3 (MANE Select); coding-DNA position 828, G replaced by A.
Protein change: p.Pro276=; no amino-acid change (proline 276 retained).
Molecular consequence: synonymous variant.
Genome position (GRCh38, 1-based): chr4:1,024,420, G>A. VCF-style: chr4-1024420-G-A. GRCh37 (hg19) VCF-style: chr4-1018208-G-A.
Other names: c.828G>A, p.Pro276= (NM_001004358.1, NM_001370296.1, NM_021923.3).
Identifiers: ClinVar variation 787268 (VCV000787268.13), dbSNP rs58679007, ClinGen allele CA2802877.

ClinVar aggregate classification (germline): Benign. Review status: criteria provided, multiple submitters, no conflicts (2 of 4 stars). 3 submissions from 3 submitters: Benign (2). 1 of the submissions does not count toward it. Last evaluated 2026-01-26.

Conditions:
FGFRL1-related disorder. Also called: FGFRL1-related condition.

Allele frequency attached by ClinVar (database versions not stated): ExAC 0.00353; gnomAD 0.01044 and 0.01134; ESP Exome Variant Server 0.01108; TOPMed 0.01261; 1000 Genomes Project 0.01358; 1000 Genomes Project 30x 0.01359.

Submissions (3):

Labcorp Genetics (formerly Invitae), Labcorp
Classification: Benign. Last evaluated: 2026-01-26. Review status: criteria provided, single submitter. Criteria: Invitae Variant Classification Sherloc (09022015). Collection method: clinical testing. Allele origin: germline.

Breakthrough Genomics
Classification: Benign. Review status: criteria provided, single submitter. Criteria: ACMG Guidelines, 2015. Collection method: not provided. Allele origin: germline. Inheritance: Unknown mechanism. Affected: yes.

PreventionGenetics, part of Exact Sciences
Classification: Benign for FGFRL1-related condition. Last evaluated: 2019-02-18. Review status: no assertion criteria provided. Collection method: clinical testing. Allele origin: germline. Not counted in ClinVar's aggregate classification.
Comment: This variant is classified as benign based on ACMG/AMP sequence variant interpretation guidelines (Richards et al. 2015 PMID: 25741868, with internal and published modifications).